The following is an entry in ClinVar:

ClinVar aggregate classification (germline): Uncertain significance. Review status: criteria provided, multiple submitters, no conflicts (2 of 4 stars). 3 submissions from 3 submitters: Uncertain significance (3). Last evaluated 2024-10-31.

Conditions:
Hereditary cancer-predisposing syndrome. Also called: Neoplastic Syndromes, Hereditary; Tumor predisposition; Hereditary neoplastic syndrome; Hereditary Cancer Syndrome. Identifiers: Orphanet 140162, MedGen C0027672, MeSH D009386, MONDO:0015356.
Multiple endocrine neoplasia, type 2 (MEN2). Identifiers: Orphanet 653, MedGen C4048306, MONDO:0019003. Disease mechanism: gain of function.

Submissions (3):

Quest Diagnostics Nichols Institute San Juan Capistrano
Classification: Uncertain significance. Last evaluated: 2024-10-31. Review status: criteria provided, single submitter. Criteria: Quest Diagnostics criteria. Collection method: clinical testing. Allele origin: unknown.
Comment: The RET c.991G>T (p.Val331Leu) variant has not been reported in individuals with RET-related conditions in the published literature. It also has not been reported in large, multi-ethnic general populations (Genome Aggregation Database). Analysis of this variant using bioinformatics tools for the prediction of the effect of amino acid changes on protein structure and function yielded conflicting predictions that this variant is deleterious or benign. Based on the available information, we are unable to determine the clinical significance of this variant.

Ambry Genetics
Classification: Uncertain significance for Hereditary cancer-predisposing syndrome. Last evaluated: 2021-04-21. Review status: criteria provided, single submitter. Criteria: Ambry Variant Classification Scheme 2023. Collection method: clinical testing. Allele origin: germline.
Comment: The p.V331L variant (also known as c.991G>T), located in coding exon 5 of the RET gene, results from a G to T substitution at nucleotide position 991. The valine at codon 331 is replaced by leucine, an amino acid with highly similar properties. This amino acid position is well conserved in available vertebrate species. In addition, this alteration is predicted to be tolerated by in silico analysis. Since supporting evidence is limited at this time, the clinical significance of this alteration remains unclear.

Labcorp Genetics (formerly Invitae), Labcorp
Classification: Uncertain significance for Multiple endocrine neoplasia, type 2. Last evaluated: 2019-05-23. Review status: criteria provided, single submitter. Criteria: Invitae Variant Classification Sherloc (09022015). Collection method: clinical testing. Allele origin: germline.
Comment: This sequence change replaces valine with leucine at codon 331 of the RET protein (p.Val331Leu). The valine residue is moderately conserved and there is a small physicochemical difference between valine and leucine. In summary, the available evidence is currently insufficient to determine the role of this variant in disease. Therefore, it has been classified as a Variant of Uncertain Significance. Algorithms developed to predict the effect of sequence changes on RNA splicing suggest that this variant may create or strengthen a splice site, but this prediction has not been confirmed by published transcriptional studies. Algorithms developed to predict the effect of missense changes on protein structure and function output the following: SIFT: "Tolerated"; PolyPhen-2: "Benign"; Align-GVGD: "Class C0". The leucine amino acid residue is found in multiple mammalian species, suggesting that this missense change does not adversely affect protein function. These predictions have not been confirmed by published functional studies and their clinical significance is uncertain. This variant has not been reported in the literature in individuals with RET-related conditions. This variant is not present in population databases (ExAC no frequency).

NM_020975.6(RET):c.991G>T (p.Val331Leu)

Gene: RET (ret proto-oncogene; plus strand). Cytogenetic location: 10q11.21.
Variant type: single nucleotide variant.
Coding change: c.991G>T on transcript NM_020975.6 (MANE Select); coding-DNA position 991, G replaced by T.
Protein change: p.Val331Leu; replaces valine 331 with leucine.
Molecular consequence: missense variant.
Genome position (GRCh38, 1-based): chr10:43,106,499, G>T. VCF-style: chr10-43106499-G-T. GRCh37 (hg19) VCF-style: chr10-43601947-G-T.
Other names: c.991G>T, p.Val331Leu (NM_000323.2, NM_001406743.1, NM_001406744.1 and 6 more transcripts); c.229G>T, p.Val77Leu (NM_001355216.2); c.862G>T, p.Val288Leu (NM_001406761.1, NM_001406762.1, NM_001406764.1 and 1 more transcripts); c.703G>T, p.Val235Leu (NM_001406766.1, NM_001406767.1, NM_001406770.1); short protein forms V331L, V77L, V288L, V235L.
Identifiers: ClinVar variation 837327 (VCV000837327.14), dbSNP rs1420717222, ClinGen allele CA376546288.